The following is an entry in ClinVar:

NM_016580.4(PCDH12):c.1841G>A (p.Arg614Gln)

Genes: PCDH12 (protocadherin 12; minus strand), RNF14 (ring finger protein 14; plus strand). Cytogenetic location: 5q31.3.
Variant type: single nucleotide variant.
Coding change: c.1841G>A on transcript NM_016580.4 (MANE Select); coding-DNA position 1841, G replaced by A.
Protein change: p.Arg614Gln; replaces arginine 614 with glutamine.
Molecular consequence: missense variant.
Genome position (GRCh38, 1-based): chr5:141,956,011, C>T on the plus strand (G>A on the coding strand, the complement: PCDH12 is on the minus strand). VCF-style: chr5-141956011-C-T. GRCh37 (hg19) VCF-style: chr5-141335576-C-T.
Other names: short protein forms R614Q.
Identifiers: ClinVar variation 1500319 (VCV001500319.5), dbSNP rs149124110, ClinGen allele CA3484330.

ClinVar aggregate classification (germline): Uncertain significance (1 of 4 stars; one submission).

Allele frequency attached by ClinVar (database versions not stated): gnomAD 0.00001; ExAC 0.00002; gnomAD exomes 0.00003; TOPMed 0.00003; ESP Exome Variant Server 0.00008.
gnomAD v4.1: 51 of 1,613,980 alleles (0.0032%); highest among the groups gnomAD compares: Admixed American, 0.005%; no homozygotes.

Submission:

Labcorp Genetics (formerly Invitae), Labcorp
Classification: Uncertain significance. Last evaluated: 2021-12-03. Review status: criteria provided, single submitter. Criteria: Invitae Variant Classification Sherloc (09022015). Collection method: clinical testing. Allele origin: germline.
Comment: This sequence change replaces arginine, which is basic and polar, with glutamine, which is neutral and polar, at codon 614 of the PCDH12 protein (p.Arg614Gln). This variant is present in population databases (rs149124110, gnomAD 0.01%). This variant has not been reported in the literature in individuals affected with PCDH12-related conditions. Advanced modeling of protein sequence and biophysical properties (such as structural, functional, and spatial information, amino acid conservation, physicochemical variation, residue mobility, and thermodynamic stability) performed at Invitae indicates that this missense variant is not expected to disrupt PCDH12 protein function. In summary, the available evidence is currently insufficient to determine the role of this variant in disease. Therefore, it has been classified as a Variant of Uncertain Significance.